The following is an entry in ClinVar:

ClinVar aggregate classification (germline): Uncertain significance (1 of 4 stars; one submission).

Conditions:
Hereditary cancer-predisposing syndrome. Also called: Neoplastic Syndromes, Hereditary; Tumor predisposition; Hereditary Cancer Syndrome; Hereditary neoplastic syndrome. Identifiers: Orphanet 140162, MedGen C0027672, MeSH D009386, MONDO:0015356.

Submission:

Ambry Genetics
Classification: Uncertain significance for Hereditary cancer-predisposing syndrome. Last evaluated: 2024-08-22. Review status: criteria provided, single submitter. Criteria: Ambry Variant Classification Scheme 2023. Collection method: clinical testing. Allele origin: germline.
Comment: The p.V697I variant (also known as c.2089G>A), located in coding exon 13 of the RAD50 gene, results from a G to A substitution at nucleotide position 2089. The valine at codon 697 is replaced by isoleucine, an amino acid with highly similar properties. This amino acid position is conserved. In addition, this alteration is predicted to be tolerated by in silico analysis. Based on the available evidence, the clinical significance of this variant remains unclear.

NM_005732.4(RAD50):c.2089G>A (p.Val697Ile)

Gene: RAD50 (RAD50 double strand break repair protein; plus strand). Cytogenetic location: 5q31.1.
Variant type: single nucleotide variant.
Coding change: c.2089G>A on transcript NM_005732.4 (MANE Select); coding-DNA position 2089, G replaced by A.
Protein change: p.Val697Ile; replaces valine 697 with isoleucine.
Molecular consequence: missense variant.
Genome position (GRCh38, 1-based): chr5:132,595,692, G>A. VCF-style: chr5-132595692-G-A. GRCh37 (hg19) VCF-style: chr5-131931384-G-A.
Other names: short protein forms V697I.
Identifiers: ClinVar variation 3429490 (VCV003429490.1).